The following is an entry in ClinVar:

NM_031407.7(HUWE1):c.7204G>T (p.Asp2402Tyr)

Genes: HUWE1 (HECT, UBA and WWE domain containing E3 ubiquitin protein ligase 1; minus strand), LOC126863262 (MED14-independent group 3 enhancer GRCh37_chrX:53588722-53589921; plus strand). Cytogenetic location: Xp11.22.
Variant type: single nucleotide variant.
Coding change: c.7204G>T on transcript NM_031407.7 (MANE Select); coding-DNA position 7204, G replaced by T.
Protein change: p.Asp2402Tyr; replaces aspartic acid 2402 with tyrosine.
Molecular consequence: missense variant.
Genome position (GRCh38, 1-based): chrX:53,562,831, C>A on the plus strand (G>T on the coding strand, the complement: HUWE1 is on the minus strand). VCF-style: chrX-53562831-C-A. GRCh37 (hg19) VCF-style: chrX-53589792-C-A.
Other names: NC_000023.10:g.53589792C>A; short protein forms D2402Y.
Identifiers: ClinVar variation 589267 (VCV000589267.6), dbSNP rs1569446547, ClinGen allele CA413160124.

ClinVar aggregate classification (germline): Uncertain significance (1 of 4 stars; one submission).

Conditions:
Inborn genetic diseases. Identifiers: MedGen C0950123, MeSH D030342.

Submissions (3):

Ambry Genetics
Classification: Uncertain significance for Inborn genetic diseases. Last evaluated: 2016-06-02. Review status: criteria provided, single submitter. Criteria: Ambry Variant Classification Scheme 2023. Collection method: clinical testing. Allele origin: germline.
Comment: The c.7204G>T variant (also known as p.D2402Y), located in coding exon 50 of the HUWE1 gene, results from a G to T substitution at nucleotide position 7204. The amino acid change results in aspartic acid to tyrosine at codon 2402, an amino acid with highly dissimilar properties. However, this change occurs in the last base pair of coding exon 50, which makes it likely to have some effect on normal mRNA splicing. This variant was not reported in population based cohorts in the following databases: Database of Single Nucleotide Polymorphisms (dbSNP), NHLBI Exome Sequencing Project (ESP), and 1000 Genomes Project. In the ESP, this variant was not observed in 6503 samples with coverage at this position. Both the nucleotide and amino acid positions are highly conserved in available vertebrate species. Using two different splice site prediction tools, this alteration is predicted by ESEfinder to weaken the efficiency of the native splice donor site, but is not predicted to have a deleterious effect on this splice donor site by BDGP; however, direct evidence is unavailable. In addition, this alteration is predicted to be tolerated by in silico analysis. Since supporting evidence is limited at this time, the clinical significance of this alteration remains unclear.

Dr. Peter K. Rogan Lab, Western University
No classification provided (evidence only). Condition: Thyroid cancer, nonmedullary, 1. Review status: no classification provided. Collection method: in vitro. Allele origin: not applicable. Functional consequence: retained intron. Not counted in ClinVar's aggregate classification.

Dr. Peter K. Rogan Lab, Western University
No classification provided (evidence only). Condition: Thyroid cancer, nonmedullary, 1. Review status: no classification provided. Collection method: in vitro. Allele origin: not applicable. Functional consequence: skipped exon. Not counted in ClinVar's aggregate classification.